The following is an entry in ClinVar:

ClinVar aggregate classification (germline): Uncertain significance. Review status: criteria provided, multiple submitters, no conflicts (2 of 4 stars). 2 submissions from 2 submitters: Uncertain significance (2). Last evaluated 2024-02-23.

Conditions:
Developmental and epileptic encephalopathy, 1 (DEE1). Also called: Epileptic encephalopathy, early infantile, 1; X-linked infantile spasms; West's syndrome; Tonic spasms with clustering, arrest of psychomotor development and hypsarrhythmia on EEG; X-Linked Infantile Spasm Syndrome; OHTAHARA SYNDROME, X-LINKED. Identifiers: MedGen C3463992, MONDO:0010632, OMIM 308350. Disease mechanism: loss of function.
Autosomal dominant nonsyndromic hearing loss 65. Also called: TBC1D24-Related Autosomal Dominant Nonsyndromic Hearing Loss (DFNA); Deafness, autosomal dominant 65. Identifiers: Orphanet 90635, MedGen C3892048, MONDO:0014470, OMIM 616044.

Allele frequency attached by ClinVar (database versions not stated): gnomAD exomes below 0.00001.
gnomAD v4.1: 2 of 1,614,036 alleles (0.00012%); highest among the groups gnomAD compares: Middle Eastern, 0.016%; no homozygotes.

Submissions (2):

Labcorp Genetics (formerly Invitae), Labcorp
Classification: Uncertain significance for Developmental and epileptic encephalopathy, 1; Autosomal dominant nonsyndromic hearing loss 65. Last evaluated: 2024-02-23. Review status: criteria provided, single submitter. Criteria: Invitae Variant Classification Sherloc (09022015). Collection method: clinical testing. Allele origin: germline.
Comment: This sequence change replaces glutamine, which is neutral and polar, with histidine, which is basic and polar, at codon 207 of the TBC1D24 protein (p.Gln207His). This variant is present in population databases (no rsID available, gnomAD 0.003%). This variant has not been reported in the literature in individuals affected with TBC1D24-related conditions. ClinVar contains an entry for this variant (Variation ID: 229285). Advanced modeling of protein sequence and biophysical properties (such as structural, functional, and spatial information, amino acid conservation, physicochemical variation, residue mobility, and thermodynamic stability) performed at Invitae indicates that this missense variant is not expected to disrupt TBC1D24 protein function with a negative predictive value of 80%. In summary, the available evidence is currently insufficient to determine the role of this variant in disease. Therefore, it has been classified as a Variant of Uncertain Significance.

Laboratory for Molecular Medicine, Mass General Brigham Personalized Medicine
Classification: Uncertain significance. Last evaluated: 2016-04-07. Review status: criteria provided, single submitter. Criteria: LMM Criteria. Collection method: clinical testing. Allele origin: germline. Observed: 1 variant allele.
Comment: The p.Gln207His variant in TBC1D24 has not been previously reported in individua ls with hearing loss or in large population studies. Computational prediction to ols and conservation analyses do not provide strong support for or against an im pact to the protein. In summary, the clinical significance of the p.Gln207His va riant is uncertain.

NM_001199107.2(TBC1D24):c.621G>C (p.Gln207His)

Gene: TBC1D24 (TBC1 domain family member 24; plus strand). Cytogenetic location: 16p13.3.
Variant type: single nucleotide variant.
Coding change: c.621G>C on transcript NM_001199107.2 (MANE Select); coding-DNA position 621, G replaced by C.
Protein change: p.Gln207His; replaces glutamine 207 with histidine.
Molecular consequence: missense variant.
Genome position (GRCh38, 1-based): chr16:2,496,769, G>C. VCF-style: chr16-2496769-G-C. GRCh37 (hg19) VCF-style: chr16-2546770-G-C.
Other names: c.621G>C, p.Gln207His (NM_020705.3); short protein forms Q207H.
Identifiers: ClinVar variation 229285 (VCV000229285.13), dbSNP rs876658012, ClinGen allele CA10577006.